The following is an entry in ClinVar:

ClinVar aggregate classification (germline): Uncertain significance (1 of 4 stars; one submission).

Submission:

Mayo Clinic Laboratories, Mayo Clinic
Classification: Uncertain significance. Last evaluated: 2025-10-23. Review status: criteria provided, single submitter. Criteria: ACMG Guidelines, 2015. Collection method: clinical testing. Allele origin: germline. Observed: 1 variant allele.
Comment: PP3_moderate, PM2_supporting

Literature cited by the submitters: PubMed 30188508.

NM_003280.3(TNNC1):c.243G>T (p.Met81Ile)

Gene: TNNC1 (troponin C1, slow skeletal and cardiac type; minus strand). Cytogenetic location: 3p21.1.
Variant type: single nucleotide variant.
Coding change: c.243G>T on transcript NM_003280.3 (MANE Select); coding-DNA position 243, G replaced by T.
Protein change: p.Met81Ile; replaces methionine 81 with isoleucine.
Molecular consequence: missense variant.
Genome position (GRCh38, 1-based): chr3:52,451,818, C>A on the plus strand (G>T on the coding strand, the complement: TNNC1 is on the minus strand). VCF-style: chr3-52451818-C-A. GRCh37 (hg19) VCF-style: chr3-52485834-C-A.
Other names: p.Met81Ile; short protein forms M81I.
Identifiers: ClinVar variation 4540889 (VCV004540889.1).